The following is an entry in ClinVar:

NM_001080779.2(MYO1C):c.231+55C>T

Gene: MYO1C (myosin IC; minus strand). Cytogenetic location: 17p13.3.
Variant type: single nucleotide variant.
Coding change: c.231+55C>T on transcript NM_001080779.2 (MANE Select); 55 bases into the intron after coding-DNA position 231, C replaced by T.
Molecular consequence: intron variant.
Genome position (GRCh38, 1-based): chr17:1,484,093, G>A on the plus strand (C>T on the coding strand, the complement: MYO1C is on the minus strand). VCF-style: chr17-1484093-G-A. GRCh37 (hg19) VCF-style: chr17-1387387-G-A.
Other names: c.126+55C>T (NM_033375.5); c.174+55C>T (NM_001080950.2); c.159+55C>T (NM_001363855.1).
Identifiers: ClinVar variation 684122 (VCV000684122.2), dbSNP rs11868607, ClinGen allele CA286798850.
Genomic context (GRCh38, chr17:1,484,093, plus strand): 5'-ACTGTCTCAAAAAAAAAAAAAAAGTTTATCCCGGTGACCCTTGGTGTCTCTTTCCCCTCC[G>A]CTTGCCTGTGTCTGTGACCCCAGCACCCCTGCCATCTCCCCACAAGGGCCTCACGTAGAT-3'

ClinVar aggregate classification (germline): Likely benign. Review status: criteria provided, multiple submitters, no conflicts (2 of 4 stars). 2 submissions from 2 submitters: Likely benign (2). Last evaluated 2018-06-16.

Allele frequency attached by ClinVar (database versions not stated): 1000 Genomes Project 0.00539; 1000 Genomes Project 30x 0.00593; gnomAD 0.00754 and 0.00817; TOPMed 0.00926.
gnomAD v4.1: 3,844 of 1,589,982 alleles (0.24%); highest among the groups gnomAD compares: African/African-American, 2%; 29 homozygotes.

Submissions (2):

GeneDx
Classification: Likely benign. Last evaluated: 2018-06-16. Review status: criteria provided, single submitter. Criteria: GeneDx Variant Classification (06012015). Collection method: clinical testing. Allele origin: germline. Affected: yes.
Comment: This variant is considered likely benign or benign based on one or more of the following criteria: it is a conservative change, it occurs at a poorly conserved position in the protein, it is predicted to be benign by multiple in silico algorithms, and/or has population frequency not consistent with disease.

Breakthrough Genomics
Classification: Likely benign. Review status: criteria provided, single submitter. Criteria: ACMG Guidelines, 2015. Collection method: not provided. Allele origin: germline. Inheritance: Unknown mechanism. Affected: yes.